The following is an entry in ClinVar:

ClinVar aggregate classification (germline): Uncertain significance. Review status: criteria provided, multiple submitters, no conflicts (2 of 4 stars). 3 submissions from 3 submitters: Uncertain significance (3). Last evaluated 2024-03-19.

Conditions:
Developmental delay, hypotonia, musculoskeletal defects, and behavioral abnormalities. Identifiers: MedGen C5562012, MONDO:0859202, OMIM 619595.
Floating-Harbor syndrome (FLHS). Also called: SRCAP-Related Floating-Harbor Syndrome; Short stature with delayed bone age, expressive language delay, a triangular face with a prominent nose and deep-set eyes; Pelletier-Leisti syndrome. Identifiers: Orphanet 2044, MedGen C0729582, MONDO:0007621, OMIM 136140.
Inborn genetic diseases. Identifiers: MedGen C0950123, MeSH D030342.

Allele frequency attached by ClinVar (database versions not stated): TOPMed below 0.00001; ExAC 0.00002; gnomAD exomes 0.00002; gnomAD 0.00003; ESP Exome Variant Server 0.00008; 1000 Genomes Project 30x 0.00016.
gnomAD v4.1: 31 of 1,614,106 alleles (0.0019%); highest among the groups gnomAD compares: South Asian, 0.0033%; no homozygotes.

Submissions (3):

Fulgent Genetics
Classification: Uncertain significance for Floating-Harbor syndrome; Developmental delay, hypotonia, musculoskeletal defects, and behavioral abnormalities. Last evaluated: 2024-03-19. Review status: criteria provided, single submitter. Criteria: ACMG Guidelines, 2015. Collection method: clinical testing. Allele origin: germline.

Women's Health and Genetics/Laboratory Corporation of America, LabCorp
Classification: Uncertain significance. Last evaluated: 2023-02-02. Review status: criteria provided, single submitter. Criteria: LabCorp Variant Classification Summary - May 2015. Collection method: clinical testing. Allele origin: germline.
Comment: Variant summary: SRCAP c.2221C>T (p.Arg741Cys) results in a non-conservative amino acid change located in the Helicase superfamily 1/2, ATP-binding domain (IPR014001) of the encoded protein sequence. Five of five in-silico tools predict a damaging effect of the variant on protein function. The variant allele was found at a frequency of 1.6e-05 in 251410 control chromosomes. The available data on variant occurrences in the general population are insufficient to allow any conclusion about variant significance. To our knowledge, no occurrence of c.2221C>T in individuals affected with Floating-Harbor Syndrome and no experimental evidence demonstrating its impact on protein function have been reported. No submitters have provided clinical-significance assessments for this variant to ClinVar after 2014. Based on the evidence outlined above, the variant was classified as uncertain significance.

Ambry Genetics
Classification: Uncertain significance for Inborn genetic diseases. Last evaluated: 2021-06-29. Review status: criteria provided, single submitter. Criteria: Ambry Variant Classification Scheme 2023. Collection method: clinical testing. Allele origin: germline.

NM_006662.3(SRCAP):c.2221C>T (p.Arg741Cys)

Gene: SRCAP (Snf2 related CREBBP activator protein; plus strand). Cytogenetic location: 16p11.2.
Variant type: single nucleotide variant.
Coding change: c.2221C>T on transcript NM_006662.3 (MANE Select); coding-DNA position 2221, C replaced by T.
Protein change: p.Arg741Cys; replaces arginine 741 with cysteine.
Molecular consequence: missense variant.
Genome position (GRCh38, 1-based): chr16:30,713,298, C>T. VCF-style: chr16-30713298-C-T. GRCh37 (hg19) VCF-style: chr16-30724619-C-T.
Other names: short protein forms R741C.
Identifiers: ClinVar variation 2346617 (VCV002346617.4), dbSNP rs372334206, ClinGen allele CA8011160.